The following is an entry in ClinVar:

NM_014014.5(SNRNP200):c.346C>A (p.Leu116Ile)

Gene: SNRNP200 (small nuclear ribonucleoprotein U5 subunit 200; minus strand). Cytogenetic location: 2q11.2.
Variant type: single nucleotide variant.
Coding change: c.346C>A on transcript NM_014014.5 (MANE Select); coding-DNA position 346, C replaced by A.
Protein change: p.Leu116Ile; replaces leucine 116 with isoleucine.
Molecular consequence: missense variant.
Genome position (GRCh38, 1-based): chr2:96,303,194, G>T on the plus strand (C>A on the coding strand, the complement: SNRNP200 is on the minus strand). VCF-style: chr2-96303194-G-T. GRCh37 (hg19) VCF-style: chr2-96968932-G-T.
Other names: short protein forms L116I.
Identifiers: ClinVar variation 1717764 (VCV001717764.5), dbSNP rs2467359677, ClinGen allele CA347688709.

ClinVar aggregate classification (germline): Uncertain significance (1 of 4 stars; one submission).

Submission:

Labcorp Genetics (formerly Invitae), Labcorp
Classification: Uncertain significance. Last evaluated: 2022-07-17. Review status: criteria provided, single submitter. Criteria: Invitae Variant Classification Sherloc (09022015). Collection method: clinical testing. Allele origin: germline.
Comment: This sequence change replaces leucine, which is neutral and non-polar, with isoleucine, which is neutral and non-polar, at codon 116 of the SNRNP200 protein (p.Leu116Ile). This variant is not present in population databases (gnomAD no frequency). This variant has not been reported in the literature in individuals affected with SNRNP200-related conditions. Algorithms developed to predict the effect of missense changes on protein structure and function (SIFT, PolyPhen-2, Align-GVGD) all suggest that this variant is likely to be tolerated. In summary, the available evidence is currently insufficient to determine the role of this variant in disease. Therefore, it has been classified as a Variant of Uncertain Significance.